The following is an entry in ClinVar:

ClinVar aggregate classification (germline): Uncertain significance. Review status: criteria provided, multiple submitters, no conflicts (2 of 4 stars). 2 submissions from 2 submitters: Uncertain significance (2). Last evaluated 2025-09-22.

Conditions:
Testicular anomalies with or without congenital heart disease (TACHD). Identifiers: Orphanet 251510, MedGen C3809858, MONDO:0014239, OMIM 615542.
Ventricular septal defect 1 (VSD1). Identifiers: MedGen C3280777, MONDO:0013746, OMIM 614429.
Atrioventricular septal defect 4 (AVSD4). Identifiers: MedGen C3280781, MONDO:0013747, OMIM 614430.
Tetralogy of Fallot (TOF). Identifiers: Orphanet 3303, MedGen C0039685, MONDO:0008542, OMIM 187500, HP:0001636.
Atrial septal defect 2 (ASD2). Identifiers: Orphanet 1478, MedGen C1842778, MONDO:0011938, OMIM 607941.

gnomAD v4.1: 12 of 1,613,918 alleles (0.00074%); highest among the groups gnomAD compares: South Asian, 0.0033%; no homozygotes.

Submissions (2):

Labcorp Genetics (formerly Invitae), Labcorp
Classification: Uncertain significance for Atrioventricular septal defect 4. Last evaluated: 2025-09-22. Review status: criteria provided, single submitter. Criteria: Invitae Variant Classification Sherloc (09022015). Collection method: clinical testing. Allele origin: germline.
Comment: This sequence change replaces alanine, which is neutral and non-polar, with threonine, which is neutral and polar, at codon 263 of the GATA4 protein (p.Ala263Thr). This variant is present in population databases (rs201520087, gnomAD 0.006%). This variant has not been reported in the literature in individuals affected with GATA4-related conditions. ClinVar contains an entry for this variant (Variation ID: 3595040). Invitae Evidence Modeling of protein sequence and biophysical properties (such as structural, functional, and spatial information, amino acid conservation, physicochemical variation, residue mobility, and thermodynamic stability) indicates that this missense variant is not expected to disrupt GATA4 protein function with a negative predictive value of 95%. In summary, the available evidence is currently insufficient to determine the role of this variant in disease. Therefore, it has been classified as a Variant of Uncertain Significance.

Fulgent Genetics
Classification: Uncertain significance for Tetralogy of Fallot; Atrial septal defect 2; Ventricular septal defect 1; Atrioventricular septal defect 4; Testicular anomalies with or without congenital heart disease. Last evaluated: 2024-05-29. Review status: criteria provided, single submitter. Criteria: ACMG Guidelines, 2015. Collection method: clinical testing. Allele origin: germline.

NM_001308093.3(GATA4):c.790G>A (p.Ala264Thr)

Gene: GATA4 (GATA binding protein 4). Cytogenetic location: 8p23.1.
Variant type: single nucleotide variant.
Coding change: c.790G>A on transcript NM_001308093.3 (MANE Select); coding-DNA position 790, G replaced by A.
Protein change: p.Ala264Thr; replaces alanine 264 with threonine.
Molecular consequence: missense variant. On other transcripts: intron variant (1).
Genome position (GRCh38, 1-based): chr8:11,750,114, G>A. VCF-style: chr8-11750114-G-A. GRCh37 (hg19) VCF-style: chr8-11607623-G-A.
Other names: c.169G>A, p.Ala57Thr (NM_001308094.2, NM_001374273.1); c.787G>A, p.Ala263Thr (NM_002052.5); c.165+1029G>A (NM_001374274.1); short protein forms A263T, A57T, A264T.
Identifiers: ClinVar variation 3595040 (VCV003595040.2).